The following is an entry in ClinVar:

NM_025132.4(WDR19):c.4021G>A (p.Glu1341Lys)

Gene: WDR19 (WD repeat domain 19; plus strand). Cytogenetic location: 4p14.
Variant type: single nucleotide variant.
Coding change: c.4021G>A on transcript NM_025132.4 (MANE Select); coding-DNA position 4021, G replaced by A.
Protein change: p.Glu1341Lys; replaces glutamic acid 1341 with lysine.
Molecular consequence: missense variant.
Genome position (GRCh38, 1-based): chr4:39,278,642, G>A. VCF-style: chr4-39278642-G-A. GRCh37 (hg19) VCF-style: chr4-39280262-G-A.
Other names: c.3541G>A, p.Glu1181Lys (NM_001317924.2); short protein forms E1181K, E1341K.
Identifiers: ClinVar variation 1713964 (VCV001713964.4), dbSNP rs774982272, ClinGen allele CA2892558.

ClinVar aggregate classification (germline): Uncertain significance (1 of 4 stars; one submission).

Conditions:
Senior-Loken syndrome 8 (SLSN8). Identifiers: Orphanet 3156, MedGen C4225376, MONDO:0014579, OMIM 616307.
Asphyxiating thoracic dystrophy 5 (SRTD5). Also called: SHORT-RIB THORACIC DYSPLASIA 5 WITH OR WITHOUT POLYDACTYLY; SHORT-RIB THORACIC DYSPLASIA 5 WITHOUT POLYDACTYLY. Identifiers: Orphanet 474, MedGen C3280598, MONDO:0013717, OMIM 614376.

Allele frequency attached by ClinVar (database versions not stated): gnomAD exomes below 0.00001; ExAC 0.00002.
gnomAD v4.1: 2 of 1,610,830 alleles (0.00012%); highest among the groups gnomAD compares: South Asian, 0.0022%; no homozygotes.

Submission:

Labcorp Genetics (formerly Invitae), Labcorp
Classification: Uncertain significance for Senior-Loken syndrome 8; Asphyxiating thoracic dystrophy 5. Last evaluated: 2022-11-01. Review status: criteria provided, single submitter. Criteria: Invitae Variant Classification Sherloc (09022015). Collection method: clinical testing. Allele origin: germline.
Comment: This variant is present in population databases (rs774982272, gnomAD 0.007%). This variant has not been reported in the literature in individuals affected with WDR19-related conditions. Advanced modeling of protein sequence and biophysical properties (such as structural, functional, and spatial information, amino acid conservation, physicochemical variation, residue mobility, and thermodynamic stability) has been performed at Invitae for this missense variant, however the output from this modeling did not meet the statistical confidence thresholds required to predict the impact of this variant on WDR19 protein function. In summary, the available evidence is currently insufficient to determine the role of this variant in disease. Therefore, it has been classified as a Variant of Uncertain Significance. This sequence change replaces glutamic acid, which is acidic and polar, with lysine, which is basic and polar, at codon 1341 of the WDR19 protein (p.Glu1341Lys).